The following is an entry in ClinVar:

ClinVar aggregate classification (germline): Likely benign. Review status: criteria provided, single submitter (1 of 4 stars). 2 submissions from 1 submitter: Likely benign (2). Last evaluated 2018-01-13.

Conditions:
Susceptibility to mononeuropathy of the median nerve, mild. Also called: CARPAL TUNNEL SYNDROME, SUSCEPTIBILITY TO. Identifiers: MedGen C3150596, MONDO:0013237, OMIM 613353.
Charcot-Marie-Tooth disease type 4C (CMT4C). Also called: CHARCOT-MARIE-TOOTH DISEASE, DEMYELINATING, AUTOSOMAL RECESSIVE, TYPE 4C; CMT 4C; Charcot-Marie-Tooth Neuropathy Type 4C (CMT4C); CHARCOT-MARIE-TOOTH DISEASE, DEMYELINATING, TYPE 4C; SH3TC2-Related Hereditary Motor and Sensory Neuropathy. Identifiers: Orphanet 99949, MedGen C1866636, MONDO:0011113, OMIM 601596.

Allele frequency attached by ClinVar (database versions not stated): 1000 Genomes Project 30x 0.00172; 1000 Genomes Project 0.00220; gnomAD 0.00295 and 0.00306; TOPMed 0.00308.
gnomAD v4.1: 464 of 152,308 alleles (0.3%); highest among the groups gnomAD compares: Middle Eastern, 1.4%; 2 homozygotes.

Submissions (2):

Illumina Laboratory Services, Illumina
Classification: Likely benign for Susceptibility to mononeuropathy of the median nerve, mild. Last evaluated: 2018-01-13. Review status: criteria provided, single submitter. Criteria: ICSL Variant Classification Criteria 13 December 2019. Collection method: clinical testing. Allele origin: germline.
Comment: This variant was observed in the ICSL laboratory as part of a predisposition screen in an ostensibly healthy population. It had not been previously curated by ICSL or reported in the Human Gene Mutation Database (HGMD: prior to June 1st, 2018), and was therefore a candidate for classification through an automated scoring system. Utilizing variant allele frequency, disease prevalence and penetrance estimates, and inheritance mode, an automated score was calculated to assess if this variant is too frequent to cause the disease. Based on the score and internal cut-off values, a variant classified as likely benign is not then subjected to further curation. The score for this variant resulted in a classification of likely benign for this disease.

Illumina Laboratory Services, Illumina
Classification: Likely benign for Charcot-Marie-Tooth disease type 4C. Last evaluated: 2018-01-13. Review status: criteria provided, single submitter. Criteria: ICSL Variant Classification Criteria 13 December 2019. Collection method: clinical testing. Allele origin: germline.
Comment: the same text as in the submission from Illumina Laboratory Services, Illumina above.

NM_024577.4(SH3TC2):c.*13352G>A

Gene: SH3TC2 (SH3 domain and tetratricopeptide repeats 2; minus strand). Cytogenetic location: 5q32.
Variant type: single nucleotide variant.
Coding change: c.*13352G>A on transcript NM_024577.4 (MANE Select); 13352 bases downstream of the stop codon, G replaced by A.
Molecular consequence: 3 prime UTR variant.
Genome position (GRCh38, 1-based): chr5:148,991,359, C>T on the plus strand (G>A on the coding strand, the complement: SH3TC2 is on the minus strand). VCF-style: chr5-148991359-C-T. GRCh37 (hg19) VCF-style: chr5-148370922-C-T.
Identifiers: ClinVar variation 351671 (VCV000351671.5), dbSNP rs192178726, ClinGen allele CA10623198.